The following is an entry in ClinVar:

NM_002204.4(ITGA3):c.2707-10C>T

Gene: ITGA3 (integrin subunit alpha 3; plus strand). Cytogenetic location: 17q21.33.
Variant type: single nucleotide variant.
Coding change: c.2707-10C>T on transcript NM_002204.4 (MANE Select); 10 bases into the intron before coding-DNA position 2707, C replaced by T.
Molecular consequence: intron variant.
Genome position (GRCh38, 1-based): chr17:50,080,252, C>T. VCF-style: chr17-50080252-C-T. GRCh37 (hg19) VCF-style: chr17-48157616-C-T.
Other names: c.2707-10C>T (NM_002204.3).
Identifiers: ClinVar variation 1956036 (VCV001956036.6), dbSNP rs373709421, ClinGen allele CA8642020.

ClinVar aggregate classification (germline): Likely benign. Review status: criteria provided, single submitter (1 of 4 stars). 2 submissions from 2 submitters: Likely benign (1). 1 of the submissions does not count toward it. Last evaluated 2025-06-12.

Conditions:
ITGA3-related disorder. Also called: ITGA3-related condition.

Allele frequency attached by ClinVar (database versions not stated): gnomAD 0.00013; ESP Exome Variant Server 0.00023.

Submissions (2):

Labcorp Genetics (formerly Invitae), Labcorp
Classification: Likely benign. Last evaluated: 2025-06-12. Review status: criteria provided, single submitter. Criteria: Invitae Variant Classification Sherloc (09022015). Collection method: clinical testing. Allele origin: germline.

PreventionGenetics, part of Exact Sciences
Classification: Likely benign for ITGA3-related condition. Last evaluated: 2020-01-21. Review status: no assertion criteria provided. Collection method: clinical testing. Allele origin: germline. Not counted in ClinVar's aggregate classification.
Comment: This variant is classified as likely benign based on ACMG/AMP sequence variant interpretation guidelines (Richards et al. 2015 PMID: 25741868, with internal and published modifications).